The following is an entry in ClinVar:

NM_001286.5(CLCN6):c.1654A>G (p.Thr552Ala)

Gene: CLCN6 (chloride voltage-gated channel 6; plus strand). Cytogenetic location: 1p36.22.
Variant type: single nucleotide variant.
Coding change: c.1654A>G on transcript NM_001286.5 (MANE Select); coding-DNA position 1654, A replaced by G.
Protein change: p.Thr552Ala; replaces threonine 552 with alanine.
Molecular consequence: missense variant. On other transcripts: non-coding transcript variant (1).
Genome position (GRCh38, 1-based): chr1:11,834,363, A>G. VCF-style: chr1-11834363-A-G. GRCh37 (hg19) VCF-style: chr1-11894420-A-G.
Other names: c.1588A>G, p.Thr530Ala (NM_001256959.2); short protein forms T530A, T552A.
Identifiers: ClinVar variation 1995327 (VCV001995327.4), dbSNP rs2523156749, ClinGen allele CA338435943.
Genomic context (GRCh38, chr1:11,834,363, plus strand): 5'-GGGGTGGTCCGCATGACCATCAGCCTCACGGTCATCCTGATCGAGTCCACCAATGAGATC[A>G]CCTACGGGCTCCCCATCATGGTCACACTGATGGTGAGCACACTCCCTCCAGGCCCCTGTC-3'
Protein context (NP_001277.2, residues 542-562): VILIESTNEI[Thr552Ala]YGLPIMVTLM

ClinVar aggregate classification (germline): Uncertain significance (1 of 4 stars; one submission).

Submission:

Labcorp Genetics (formerly Invitae), Labcorp
Classification: Uncertain significance. Last evaluated: 2022-10-25. Review status: criteria provided, single submitter. Criteria: Invitae Variant Classification Sherloc (09022015). Collection method: clinical testing. Allele origin: germline.
Comment: This sequence change replaces threonine, which is neutral and polar, with alanine, which is neutral and non-polar, at codon 552 of the CLCN6 protein (p.Thr552Ala). This variant is not present in population databases (gnomAD no frequency). This variant has not been reported in the literature in individuals affected with CLCN6-related conditions. Algorithms developed to predict the effect of missense changes on protein structure and function (SIFT, PolyPhen-2, Align-GVGD) all suggest that this variant is likely to be tolerated. In summary, the available evidence is currently insufficient to determine the role of this variant in disease. Therefore, it has been classified as a Variant of Uncertain Significance.